The following is an entry in ClinVar:

NM_021072.4(HCN1):c.1065C>T (p.His355=)

Gene: HCN1 (hyperpolarization activated cyclic nucleotide gated potassium channel 1; minus strand). Cytogenetic location: 5p12.
Variant type: single nucleotide variant.
Coding change: c.1065C>T on transcript NM_021072.4 (MANE Select); coding-DNA position 1065, C replaced by T.
Protein change: p.His355=; no amino-acid change (histidine 355 retained).
Molecular consequence: synonymous variant.
Genome position (GRCh38, 1-based): chr5:45,396,657, G>A on the plus strand (C>T on the coding strand, the complement: HCN1 is on the minus strand). VCF-style: chr5-45396657-G-A. GRCh37 (hg19) VCF-style: chr5-45396759-G-A.
Identifiers: ClinVar variation 696919 (VCV000696919.39), dbSNP rs200829129, ClinGen allele CA3259365.
Genomic context (GRCh38, chr5:45,396,657, plus strand): 5'-GGTAATCCAGAGGTCAGACATGCTGACTGGGGCTTGGGCTCCATACCCAATGCACAGCAT[G>A]TGACTCATAGCTTTGAAGAGTGCGTATGAATACTGCTTTCCCCAAGAATCATTCTGCAAC-3'
Protein context (NP_066550.2, residues 345-365): YSYALFKAMS[His355=]MLCIGYGAQA

ClinVar aggregate classification (germline): Likely benign. Review status: criteria provided, multiple submitters, no conflicts (2 of 4 stars). 3 submissions from 3 submitters: Likely benign (3). Last evaluated 2026-04-01.

Conditions:
Early-infantile DEE. Also called: Ohtahara syndrome; Early infantile epileptic encephalopathy with suppression bursts; Early infantile epileptic encephalopathy. Identifiers: Orphanet 1934, MedGen C0393706, MONDO:0800491.

Allele frequency attached by ClinVar (database versions not stated): gnomAD 0.00001; TOPMed 0.00001; ExAC 0.00002; gnomAD exomes 0.00002 and 0.00004; 1000 Genomes Project 30x 0.00016; 1000 Genomes Project 0.00020.
gnomAD v4.1: 37 of 1,613,890 alleles (0.0023%); highest among the groups gnomAD compares: East Asian, 0.0067%; no homozygotes.

Submissions (3):

CeGaT Center for Human Genetics Tuebingen
Classification: Likely benign. Last evaluated: 2026-04-01. Review status: criteria provided, single submitter. Criteria: CeGaT Center For Human Genetics Tuebingen Variant Classification Criteria Version 2. Collection method: clinical testing. Allele origin: germline. Affected: yes. Observed: 4 variant alleles.
Comment: HCN1: BP4, BP7

Labcorp Genetics (formerly Invitae), Labcorp
Classification: Likely benign for Early-infantile DEE. Last evaluated: 2025-08-10. Review status: criteria provided, single submitter. Criteria: Invitae Variant Classification Sherloc (09022015). Collection method: clinical testing. Allele origin: germline.

Blueprint Genetics
Classification: Likely benign. Last evaluated: 2021-11-02. Review status: criteria provided, single submitter. Criteria: ACMG Guidelines, 2015. Collection method: clinical testing. Allele origin: germline.